The following is an entry in ClinVar:

NM_001080449.3(DNA2):c.940-7del

Gene: DNA2 (DNA replication helicase/nuclease 2; minus strand). Cytogenetic location: 10q21.3.
Variant type: Deletion.
Coding change: c.940-7del on transcript NM_001080449.3 (MANE Select); 7 bases into the intron before coding-DNA position 940, one base deleted (T; older notation c.940-7delT).
Molecular consequence: intron variant.
Genome position (GRCh38, 1-based): chr10:68,446,420, A deleted on the plus strand (T on the coding strand, the reverse complement: DNA2 is on the minus strand); the first of 3 consecutive A bases (chr10:68,446,420-68,446,422); deleting any one gives the same sequence. VCF-style (leftmost placement, unchanged base first): chr10-68446419-CA-C. GRCh37 (hg19) VCF-style: chr10-70206176-CA-C.
Identifiers: ClinVar variation 1360463 (VCV001360463.8), dbSNP rs1243013178, ClinGen allele CA469809137.
Genomic context (GRCh38, chr10:68,446,419, plus strand): 5'-AGCCAGCCTCTGGATCAGCTCTTCTCTCTTGGCTTAGTAGAGTGTACAGAACAACCTGTG[CA>C]AACATTGACATTTGCTCAAACAAAACTATAACTTCTTGTATTTCCTTACATTGTCTTGCA-3'

ClinVar aggregate classification (germline): Uncertain significance (1 of 4 stars; one submission).

Submission:

Labcorp Genetics (formerly Invitae), Labcorp
Classification: Uncertain significance. Last evaluated: 2022-12-10. Review status: criteria provided, single submitter. Criteria: Invitae Variant Classification Sherloc (09022015). Collection method: clinical testing. Allele origin: germline.
Comment: In summary, the available evidence is currently insufficient to determine the role of this variant in disease. Therefore, it has been classified as a Variant of Uncertain Significance. Algorithms developed to predict the effect of sequence changes on RNA splicing suggest that this variant may disrupt the consensus splice site. This sequence change falls in intron 6 of the DNA2 gene. It does not directly change the encoded amino acid sequence of the DNA2 protein. ClinVar contains an entry for this variant (Variation ID: 1360463). This variant has not been reported in the literature in individuals affected with DNA2-related conditions. This variant is present in population databases (no rsID available, gnomAD 0.001%).